The following is an entry in ClinVar:

ClinVar aggregate classification (germline): Likely benign. Review status: reviewed by expert panel (3 of 4 stars). 8 submissions from 8 submitters: Likely benign (1). 7 of the submissions do not count toward it. Last evaluated 2017-06-29.

Conditions:
Hereditary cancer-predisposing syndrome. Also called: Tumor predisposition; Hereditary Cancer Syndrome; Hereditary neoplastic syndrome; Neoplastic Syndromes, Hereditary. Identifiers: Orphanet 140162, MedGen C0027672, MeSH D009386, MONDO:0015356.
Hereditary breast ovarian cancer syndrome. Also called: Breast and ovarian cancer; Hereditary breast and ovarian cancer syndrome; Hereditary breast and ovarian cancer; BRCA1- and BRCA2-Associated Hereditary Breast and Ovarian Cancer; Hereditary breast and ovarian cancer syndrome (HBOC); Hereditary breast and/or ovarian cancer syndrome. Identifiers: Orphanet 145, MedGen C0677776, MeSH D061325, MONDO:0003582. Disease mechanism: loss of function.
Breast-ovarian cancer, familial, susceptibility to, 2 (BROVCA2). Also called: BRCA2 Hereditary Breast and Ovarian Cancer. Identifiers: Orphanet 145, MedGen C2675520, MONDO:0012933, OMIM 612555. Disease mechanism: loss of function.

Allele frequency attached by ClinVar (database versions not stated): gnomAD exomes below 0.00001 and 0.00002; ExAC 0.00001; gnomAD 0.00002; TOPMed 0.00002.
gnomAD v4.1: 36 of 1,613,880 alleles (0.0022%); highest among the groups gnomAD compares: Non-Finnish European, 0.0029%; no homozygotes.

Submissions (8):

Evidence-based Network for the Interpretation of Germline Mutant Alleles (ENIGMA)
Classification: Likely benign for Breast-ovarian cancer, familial, susceptibility to, 2. Last evaluated: 2017-06-29. Review status: reviewed by expert panel. Criteria: ENIGMA BRCA1/2 Classification Criteria (2017-06-29). Collection method: curation. Allele origin: germline.
Comment: Synonymous substitution variant, with low bioinformatic likelihood to result in a splicing aberration (Splicing prior probability 0.02).

Labcorp Genetics (formerly Invitae), Labcorp
Classification: Likely benign for Hereditary breast ovarian cancer syndrome. Last evaluated: 2026-01-13. Review status: criteria provided, single submitter. Criteria: Invitae Variant Classification Sherloc (09022015). Collection method: clinical testing. Allele origin: germline. Not counted in ClinVar's aggregate classification.

All of Us Research Program, National Institutes of Health
Classification: Likely benign for Breast-ovarian cancer, familial, susceptibility to, 2. Last evaluated: 2023-12-18. Review status: criteria provided, single submitter. Criteria: ACMG Guidelines, 2015. Collection method: clinical testing. Allele origin: germline. Inheritance: Autosomal dominant inheritance. Observed: 12 variant alleles, 12 heterozygotes. Not counted in ClinVar's aggregate classification.
Comment: This study involves interpretation of variants in research participants for the purpose of population health screening. Participant phenotype was not available at the time of variant classification. Additional details can be found in publication PMID: 35346344, PMCID: PMC8962531

Quest Diagnostics Nichols Institute San Juan Capistrano
Classification: Likely benign. Last evaluated: 2020-05-28. Review status: criteria provided, single submitter. Criteria: Quest Diagnostics criteria. Collection method: clinical testing. Allele origin: unknown. Not counted in ClinVar's aggregate classification.

Women's Health and Genetics/Laboratory Corporation of America, LabCorp
Classification: Likely benign. Last evaluated: 2019-08-27. Review status: criteria provided, single submitter. Criteria: LabCorp Variant Classification Summary - May 2015. Collection method: clinical testing. Allele origin: germline. Not counted in ClinVar's aggregate classification.

Color Diagnostics, LLC DBA Color Health
Classification: Likely benign for Hereditary cancer-predisposing syndrome. Last evaluated: 2017-07-24. Review status: criteria provided, single submitter. Criteria: ACMG Guidelines, 2015. Collection method: clinical testing. Allele origin: germline. Not counted in ClinVar's aggregate classification.

Ambry Genetics
Classification: Likely benign for Hereditary cancer-predisposing syndrome. Last evaluated: 2015-04-19. Review status: criteria provided, single submitter. Criteria: Ambry Variant Classification Scheme 2023. Collection method: clinical testing. Allele origin: germline. Not counted in ClinVar's aggregate classification.

GeneDx
Classification: Benign. Last evaluated: 2014-06-23. Review status: criteria provided, single submitter. Criteria: GeneDx Variant Classification (06012015). Collection method: clinical testing. Allele origin: germline. Affected: yes. Not counted in ClinVar's aggregate classification.
Comment: This variant is considered likely benign or benign based on one or more of the following criteria: it is a conservative change, it occurs at a poorly conserved position in the protein, it is predicted to be benign by multiple in silico algorithms, and/or has population frequency not consistent with disease.

NM_000059.4(BRCA2):c.2094A>G (p.Leu698=)

Gene: BRCA2 (BRCA2 DNA repair associated; plus strand). Cytogenetic location: 13q13.1.
Variant type: single nucleotide variant.
Coding change: c.2094A>G on transcript NM_000059.4 (MANE Select); coding-DNA position 2094, A replaced by G.
Protein change: p.Leu698=; no amino-acid change (leucine 698 retained).
Molecular consequence: synonymous variant.
Genome position (GRCh38, 1-based): chr13:32,336,449, A>G. VCF-style: chr13-32336449-A-G. GRCh37 (hg19) VCF-style: chr13-32910586-A-G.
Other names: p.L698L:CTA>CTG.
Identifiers: ClinVar variation 182283 (VCV000182283.24), dbSNP rs28897714, ClinGen allele CA014321.
Genomic context (GRCh38, chr13:32,336,449, plus strand): 5'-TAATACAGTAATCTCTCAGGATCTTGATTATAAAGAAGCAAAATGTAATAAGGAAAAACT[A>G]CAGTTATTTATTACCCCAGAAGCTGATTCTCTGTCATGCCTGCAGGAAGGACAGTGTGAA-3'
Protein context (NP_000050.3, residues 688-708): YKEAKCNKEK[Leu698=]QLFITPEADS